The following is an entry in ClinVar:

ClinVar aggregate classification (germline): Uncertain significance (1 of 4 stars; one submission).

Conditions:
Hereditary cancer-predisposing syndrome. Also called: Hereditary neoplastic syndrome; Neoplastic Syndromes, Hereditary; Tumor predisposition; Hereditary Cancer Syndrome. Identifiers: Orphanet 140162, MedGen C0027672, MeSH D009386, MONDO:0015356.

Submission:

Ambry Genetics
Classification: Uncertain significance for Hereditary cancer-predisposing syndrome. Last evaluated: 2021-05-30. Review status: criteria provided, single submitter. Criteria: Ambry Variant Classification Scheme 2023. Collection method: clinical testing. Allele origin: germline.
Comment: The p.L2517F variant (also known as c.7551G>T), located in coding exon 50 of the ATM gene, results from a G to T substitution at nucleotide position 7551. The leucine at codon 2517 is replaced by phenylalanine, an amino acid with highly similar properties. This amino acid position is highly conserved in available vertebrate species. In addition, this alteration is predicted to be deleterious by in silico analysis. Since supporting evidence is limited at this time, the clinical significance of this alteration remains unclear.

NM_000051.4(ATM):c.7551G>T (p.Leu2517Phe)

Genes: ATM (ATM serine/threonine kinase; plus strand), C11orf65 (chromosome 11 open reading frame 65; minus strand). Cytogenetic location: 11q22.3.
Variant type: single nucleotide variant.
Coding change: c.7551G>T on transcript NM_000051.4 (MANE Select); coding-DNA position 7551, G replaced by T.
Protein change: p.Leu2517Phe; replaces leucine 2517 with phenylalanine.
Molecular consequence: missense variant. On other transcripts: non-coding transcript variant (1), intron variant (2).
Genome position (GRCh38, 1-based): chr11:108,331,479, G>T. VCF-style: chr11-108331479-G-T. GRCh37 (hg19) VCF-style: chr11-108202206-G-T.
Other names: c.7551G>T, p.Leu2517Phe (NM_001351834.2); c.641-22408C>A (NM_001330368.2); c.*38+3741C>A (NM_001351110.2); short protein forms L2517F.
Identifiers: ClinVar variation 1759491 (VCV001759491.2), dbSNP rs2136493081, ClinGen allele CA382560710.